The following is an entry in ClinVar:

NM_000022.4(ADA):c.758G>A (p.Arg253Gln)

Gene: ADA (adenosine deaminase; minus strand). Cytogenetic location: 20q13.12.
Variant type: single nucleotide variant.
Coding change: c.758G>A on transcript NM_000022.4 (MANE Select); coding-DNA position 758, G replaced by A.
Protein change: p.Arg253Gln; replaces arginine 253 with glutamine.
Molecular consequence: missense variant. On other transcripts: non-coding transcript variant (1).
Genome position (GRCh38, 1-based): chr20:44,622,851, C>T on the plus strand (G>A on the coding strand, the complement: ADA is on the minus strand). VCF-style: chr20-44622851-C-T. GRCh37 (hg19) VCF-style: chr20-43251492-C-T.
Other names: c.353G>A, p.Arg118Gln (NM_001322050.2); c.686G>A, p.Arg229Gln (NM_001322051.2); short protein forms R253Q, R118Q, R229Q.
Identifiers: ClinVar variation 536185 (VCV000536185.12), dbSNP rs148994526, ClinGen allele CA9871537.

ClinVar aggregate classification (germline): Uncertain significance. Review status: criteria provided, multiple submitters, no conflicts (2 of 4 stars). 5 submissions from 5 submitters: Uncertain significance (4). 1 of the submissions does not count toward it. Last evaluated 2024-12-09.

Conditions:
Severe combined immunodeficiency, autosomal recessive, T cell-negative, B cell-negative, NK cell-negative, due to adenosine deaminase deficiency. Also called: ADA deficiency; Adenosine deaminase deficient severe combined immunodeficiency; Severe combined immunodeficiency due to ADA deficiency; ADA-SCID; SCID DUE TO ADA DEFICIENCY; SCID DUE TO ADA DEFICIENCY, EARLY-ONSET. Identifiers: Orphanet 277, MedGen C0392607, MONDO:0007064, OMIM 102700.

Allele frequency attached by ClinVar (database versions not stated): gnomAD exomes 0.00008 and 0.00012; ExAC 0.00012; TOPMed 0.00012; ESP Exome Variant Server 0.00015; gnomAD 0.00017 and 0.00019.
gnomAD v4.1: 146 of 1,614,228 alleles (0.009%); highest among the groups gnomAD compares: African/African-American, 0.052%; no homozygotes.

Submissions (5):

Labcorp Genetics (formerly Invitae), Labcorp
Classification: Uncertain significance for Severe combined immunodeficiency, autosomal recessive, T cell-negative, B cell-negative, NK cell-negative, due to adenosine deaminase deficiency. Last evaluated: 2024-12-09. Review status: criteria provided, single submitter. Criteria: Invitae Variant Classification Sherloc (09022015). Collection method: clinical testing. Allele origin: germline.
Comment: This sequence change replaces arginine, which is basic and polar, with glutamine, which is neutral and polar, at codon 253 of the ADA protein (p.Arg253Gln). This variant is present in population databases (rs148994526, gnomAD 0.06%). This variant has not been reported in the literature in individuals affected with ADA-related conditions. ClinVar contains an entry for this variant (Variation ID: 536185). Invitae Evidence Modeling of protein sequence and biophysical properties (such as structural, functional, and spatial information, amino acid conservation, physicochemical variation, residue mobility, and thermodynamic stability) indicates that this missense variant is not expected to disrupt ADA protein function with a negative predictive value of 80%. This variant disrupts the p.Arg253 amino acid residue in ADA. Other variant(s) that disrupt this residue have been determined to be pathogenic (PMID: 8258146, 9758612). This suggests that this residue is clinically significant, and that variants that disrupt this residue are likely to be disease-causing. In summary, the available evidence is currently insufficient to determine the role of this variant in disease. Therefore, it has been classified as a Variant of Uncertain Significance.

Fulgent Genetics
Classification: Uncertain significance for Severe combined immunodeficiency, autosomal recessive, T cell-negative, B cell-negative, NK cell-negative, due to adenosine deaminase deficiency. Last evaluated: 2021-10-07. Review status: criteria provided, single submitter. Criteria: ACMG Guidelines, 2015. Collection method: clinical testing. Allele origin: unknown.

Genome-Nilou Lab
Classification: Uncertain significance for Severe combined immunodeficiency, autosomal recessive, T cell-negative, B cell-negative, NK cell-negative, due to adenosine deaminase deficiency. Last evaluated: 2021-06-10. Review status: criteria provided, single submitter. Criteria: ACMG Guidelines, 2015. Collection method: clinical testing. Allele origin: germline. Affected: no.

Breakthrough Genomics
Classification: Uncertain significance. Review status: criteria provided, single submitter. Criteria: ACMG Guidelines, 2015. Collection method: not provided. Allele origin: germline. Inheritance: Autosomal dominant inheritance. Affected: yes.

Natera, Inc.
Classification: Uncertain significance for Severe combined immunodeficiency due to ADA deficiency. Last evaluated: 2019-10-28. Review status: no assertion criteria provided. Collection method: clinical testing. Allele origin: germline. Not counted in ClinVar's aggregate classification.

Literature cited by the submitters: PubMed 8258146 (cited by Labcorp Genetics (formerly Invitae), Labcorp); PubMed 9758612 (cited by Labcorp Genetics (formerly Invitae), Labcorp).